The following is an entry in ClinVar:

NM_005228.5(EGFR):c.474C>A (p.Asn158Lys)

Gene: EGFR (epidermal growth factor receptor; plus strand). Cytogenetic location: 7p11.2.
Variant type: single nucleotide variant.
Coding change: c.474C>A on transcript NM_005228.5 (MANE Select); coding-DNA position 474, C replaced by A.
Protein change: p.Asn158Lys; replaces asparagine 158 with lysine.
Molecular consequence: missense variant. On other transcripts: intron variant (3).
Genome position (GRCh38, 1-based): chr7:55,146,655, C>A. VCF-style: chr7-55146655-C-A. GRCh37 (hg19) VCF-style: chr7-55214348-C-A.
Other names: c.474C>A, p.Asn158Lys (NM_001346898.2, NM_201282.2, NM_201283.2 and 1 more transcripts); c.315C>A, p.Asn105Lys (NM_001346900.2); c.424+3167C>A (NM_001346899.2, NM_001346897.2); c.89-9175C>A (NM_001346941.2); short protein forms N105K, N158K.
Identifiers: ClinVar variation 3594729 (VCV003594729.3).
Genomic context (GRCh38, chr7:55,146,655, plus strand): 5'-TTCTCCCGCAGAAATCCTGCATGGCGCCGTGCGGTTCAGCAACAACCCTGCCCTGTGCAA[C>A]GTGGAGAGCATCCAGTGGCGGGACATAGTCAGCAGTGACTTTCTCAGCAACATGTCGATG-3'
Protein context (NP_005219.2, residues 148-168): VRFSNNPALC[Asn158Lys]VESIQWRDIV

ClinVar aggregate classification (germline): Uncertain significance. Review status: criteria provided, multiple submitters, no conflicts (2 of 4 stars). 2 submissions from 2 submitters: Uncertain significance (2). Last evaluated 2024-11-12.

Conditions:
Lung cancer. Also called: Lung cancer, somatic; Malignant tumor of lung. Identifiers: MedGen C0242379, MONDO:0008903, OMIM 211980.
Inflammatory skin and bowel disease, neonatal, 2 (NNCIS). Identifiers: Orphanet 294023, MedGen C4015130, MONDO:0014481, OMIM 616069.
EGFR-related lung cancer (EGFR). Identifiers: MedGen CN130014.

Submissions (2):

Labcorp Genetics (formerly Invitae), Labcorp
Classification: Uncertain significance for EGFR-related lung cancer. Last evaluated: 2024-11-12. Review status: criteria provided, single submitter. Criteria: Invitae Variant Classification Sherloc (09022015). Collection method: clinical testing. Allele origin: germline.
Comment: This sequence change replaces asparagine, which is neutral and polar, with lysine, which is basic and polar, at codon 158 of the EGFR protein (p.Asn158Lys). This variant is not present in population databases (gnomAD no frequency). This variant has not been reported in the literature in individuals affected with EGFR-related conditions. An algorithm developed to predict the effect of missense changes on protein structure and function (PolyPhen-2) suggests that this variant is likely to be disruptive. In summary, the available evidence is currently insufficient to determine the role of this variant in disease. Therefore, it has been classified as a Variant of Uncertain Significance.

Fulgent Genetics
Classification: Uncertain significance for Lung cancer; Inflammatory skin and bowel disease, neonatal, 2. Last evaluated: 2024-06-10. Review status: criteria provided, single submitter. Criteria: ACMG Guidelines, 2015. Collection method: clinical testing. Allele origin: germline.